The following is an entry in ClinVar:

ClinVar aggregate classification (germline): Benign/Likely benign. Review status: criteria provided, multiple submitters, no conflicts (2 of 4 stars). 3 submissions from 2 submitters: Benign (2); Likely benign (1). Last evaluated 2021-08-14.

Conditions:
EAST syndrome (SESAMES). Also called: SEIZURES, SENSORINEURAL DEAFNESS, ATAXIA, IMPAIRED INTELLECTUAL DEVELOPMENT, AND ELECTROLYTE IMBALANCE. Identifiers: Orphanet 199343, MedGen C2748572, MONDO:0013005, OMIM 612780.
Autosomal recessive nonsyndromic hearing loss 4 (DFNB4). Also called: Deafness, autosomal recessive 4; NEUROSENSORY NONSYNDROMIC RECESSIVE DEAFNESS 4; FOXI1-Related Pendred Syndrome; KCNJ10-Related Pendred Syndrome; DEAFNESS, AUTOSOMAL RECESSIVE 4, WITH ENLARGED VESTIBULAR AQUEDUCT, DIGENIC; Nonsyndromic enlarged vestibular aqueduct (NSEVA). Identifiers: Orphanet 90636, MedGen C3538946, MONDO:0010933, OMIM 600791.

Allele frequency attached by ClinVar (database versions not stated): TOPMed 0.02023; 1000 Genomes Project 0.02037; 1000 Genomes Project 30x 0.02217.

Submissions (3):

GeneDx
Classification: Benign. Last evaluated: 2021-08-14. Review status: criteria provided, single submitter. Criteria: GeneDx Variant Classification Process June 2021. Collection method: clinical testing. Allele origin: germline. Affected: yes.

Illumina Laboratory Services, Illumina
Classification: Likely benign for Autosomal recessive nonsyndromic hearing loss 4. Last evaluated: 2018-01-13. Review status: criteria provided, single submitter. Criteria: ICSL Variant Classification Criteria 13 December 2019. Collection method: clinical testing. Allele origin: germline.
Comment: This variant was observed in the ICSL laboratory as part of a predisposition screen in an ostensibly healthy population. It had not been previously curated by ICSL or reported in the Human Gene Mutation Database (HGMD: prior to June 1st, 2018), and was therefore a candidate for classification through an automated scoring system. Utilizing variant allele frequency, disease prevalence and penetrance estimates, and inheritance mode, an automated score was calculated to assess if this variant is too frequent to cause the disease. Based on the score and internal cut-off values, a variant classified as likely benign is not then subjected to further curation. The score for this variant resulted in a classification of likely benign for this disease.

Illumina Laboratory Services, Illumina
Classification: Benign for EAST syndrome. Last evaluated: 2018-01-13. Review status: criteria provided, single submitter. Criteria: ICSL Variant Classification Criteria 13 December 2019. Collection method: clinical testing. Allele origin: germline.
Comment: This variant was observed in the ICSL laboratory as part of a predisposition screen in an ostensibly healthy population. It had not been previously curated by ICSL or reported in the Human Gene Mutation Database (HGMD: prior to June 1st, 2018), and was therefore a candidate for classification through an automated scoring system. Utilizing variant allele frequency, disease prevalence and penetrance estimates, and inheritance mode, an automated score was calculated to assess if this variant is too frequent to cause the disease. Based on the score and internal cut-off values, a variant classified as benign is not then subjected to further curation. The score for this variant resulted in a classification of benign for this disease.

NM_002241.5(KCNJ10):c.*1813C>A

Gene: KCNJ10 (potassium inwardly rectifying channel subfamily J member 10; minus strand). Cytogenetic location: 1q23.2.
Variant type: single nucleotide variant.
Coding change: c.*1813C>A on transcript NM_002241.5 (MANE Select); 1813 bases downstream of the stop codon, C replaced by A.
Molecular consequence: 3 prime UTR variant.
Genome position (GRCh38, 1-based): chr1:160,039,580, G>T on the plus strand (C>A on the coding strand, the complement: KCNJ10 is on the minus strand). VCF-style: chr1-160039580-G-T. GRCh37 (hg19) VCF-style: chr1-160009370-G-T.
Identifiers: ClinVar variation 875331 (VCV000875331.5), dbSNP rs78280261, ClinGen allele CA31468616.